The following is an entry in ClinVar:

NM_000548.5(TSC2):c.114T>C (p.Phe38=)

Gene: TSC2 (TSC complex subunit 2; plus strand). Cytogenetic location: 16p13.3.
Variant type: single nucleotide variant.
Coding change: c.114T>C on transcript NM_000548.5 (MANE Select); coding-DNA position 114, T replaced by C.
Protein change: p.Phe38=; no amino-acid change (phenylalanine 38 retained).
Molecular consequence: synonymous variant. On other transcripts: 5 prime UTR variant (1), intron variant (1).
Genome position (GRCh38, 1-based): chr16:2,048,729, T>C. VCF-style: chr16-2048729-T-C. GRCh37 (hg19) VCF-style: chr16-2098730-T-C.
Other names: c.114T>C, p.Phe38= (NM_001077183.3, NM_001114382.3, NM_001318827.2 and 4 more transcripts); c.-113T>C (NM_001318831.2); c.147T>C, p.Phe49= (NM_001318832.2); c.-10+664T>C (NM_001318829.2).
Identifiers: ClinVar variation 413717 (VCV000413717.13), dbSNP rs1060504110, ClinGen allele CA16614887.
Genomic context (GRCh38, chr16:2,048,729, plus strand): 5'-GTTGGGACTGGGAACACCGAGGCCAAATCCCAGGTCTGCAGAGGGTAAACAGACGGAGTT[T>C]ATCATCACCGCGGAAATACTGAGAGTGAGTGAGCTACCTGTGTCTTTGCTAGGCTAGAGG-3'
Protein context (NP_000539.2, residues 28-48): PRSAEGKQTE[Phe38=]IITAEILREL

ClinVar aggregate classification (germline): Benign/Likely benign. Review status: criteria provided, multiple submitters, no conflicts (2 of 4 stars). 4 submissions from 4 submitters: Benign (1); Likely benign (3). Last evaluated 2025-05-30.

Conditions:
Hereditary cancer-predisposing syndrome. Also called: Tumor predisposition; Neoplastic Syndromes, Hereditary; Hereditary Cancer Syndrome; Hereditary neoplastic syndrome. Identifiers: Orphanet 140162, MedGen C0027672, MeSH D009386, MONDO:0015356.
Tuberous sclerosis syndrome (TSC). Also called: Tuberous Sclerosis Complex; Tuberous sclerosis. Identifiers: Orphanet 805, MedGen C0041341, MONDO:0001734.
Tuberous sclerosis 2 (TSC2). Identifiers: Orphanet 805, MedGen C1860707, MONDO:0013199, OMIM 613254.

Allele frequency attached by ClinVar (database versions not stated): gnomAD exomes below 0.00001.
gnomAD v4.1: 2 of 1,614,074 alleles (0.00012%); highest among the groups gnomAD compares: Non-Finnish European, 0.00017%; no homozygotes.

Submissions (4):

Color Diagnostics, LLC DBA Color Health
Classification: Likely benign for Tuberous sclerosis syndrome. Last evaluated: 2025-05-30. Review status: criteria provided, single submitter. Criteria: ACMG Guidelines, 2015. Collection method: clinical testing. Allele origin: germline.

Myriad Genetics, Inc.
Classification: Benign for Tuberous sclerosis 2. Last evaluated: 2025-04-30. Review status: criteria provided, single submitter. Criteria: Myriad Autosomal Dominant, Autosomal Recessive and X-Linked Classification Criteria (2023). Collection method: clinical testing. Allele origin: unknown.
Comment: This variant is considered benign. This variant is a silent/synonymous amino acid change and it is not expected to impact splicing.

Labcorp Genetics (formerly Invitae), Labcorp
Classification: Likely benign for Tuberous sclerosis 2. Last evaluated: 2024-04-02. Review status: criteria provided, single submitter. Criteria: Invitae Variant Classification Sherloc (09022015). Collection method: clinical testing. Allele origin: germline.

Ambry Genetics
Classification: Likely benign for Hereditary cancer-predisposing syndrome. Last evaluated: 2023-10-16. Review status: criteria provided, single submitter. Criteria: Ambry Variant Classification Scheme 2023. Collection method: clinical testing. Allele origin: germline.